The following is an entry in ClinVar:

NM_001371986.1(UNC80):c.5372G>A (p.Arg1791His)

Gene: UNC80 (unc-80 homolog, NALCN channel complex subunit; plus strand). Cytogenetic location: 2q34.
Variant type: single nucleotide variant.
Coding change: c.5372G>A on transcript NM_001371986.1 (MANE Select); coding-DNA position 5372, G replaced by A.
Protein change: p.Arg1791His; replaces arginine 1791 with histidine.
Molecular consequence: missense variant.
Genome position (GRCh38, 1-based): chr2:209,921,528, G>A. VCF-style: chr2-209921528-G-A. GRCh37 (hg19) VCF-style: chr2-210786252-G-A.
Other names: c.5174G>A, p.Arg1725His (NM_032504.2); c.5159G>A, p.Arg1720His (NM_182587.4); short protein forms R1791H, R1720H, R1725H.
Identifiers: ClinVar variation 1462698 (VCV001462698.4), dbSNP rs1214929900, ClinGen allele CA350761969.

ClinVar aggregate classification (germline): Uncertain significance (1 of 4 stars; one submission).

Allele frequency attached by ClinVar (database versions not stated): TOPMed below 0.00001; gnomAD 0.00001; gnomAD exomes 0.00001.
gnomAD v4.1: 14 of 1,550,822 alleles (0.0009%); highest among the groups gnomAD compares: Non-Finnish European, 0.0012%; no homozygotes.

Submission:

Labcorp Genetics (formerly Invitae), Labcorp
Classification: Uncertain significance. Last evaluated: 2021-07-13. Review status: criteria provided, single submitter. Criteria: Invitae Variant Classification Sherloc (09022015). Collection method: clinical testing. Allele origin: germline.
Comment: This sequence change replaces arginine with histidine at codon 1725 of the UNC80 protein (p.Arg1725His). The arginine residue is moderately conserved and there is a small physicochemical difference between arginine and histidine. This variant is not present in population databases (ExAC no frequency). This variant has not been reported in the literature in individuals with UNC80-related conditions. Algorithms developed to predict the effect of missense changes on protein structure and function are either unavailable or do not agree on the potential impact of this missense change (SIFT: "Not Available"; PolyPhen-2: "Probably Damaging"; Align-GVGD: "Not Available"). In summary, the available evidence is currently insufficient to determine the role of this variant in disease. Therefore, it has been classified as a Variant of Uncertain Significance.